The following is an entry in ClinVar:

NM_000340.2(SLC2A2):c.881T>A (p.Leu294His)

Gene: SLC2A2 (solute carrier family 2 member 2; minus strand). Cytogenetic location: 3q26.2.
Variant type: single nucleotide variant.
Coding change: c.881T>A on transcript NM_000340.2 (MANE Select); coding-DNA position 881, T replaced by A.
Protein change: p.Leu294His; replaces leucine 294 with histidine.
Molecular consequence: missense variant.
Genome position (GRCh38, 1-based): chr3:171,005,367, A>T on the plus strand (T>A on the coding strand, the complement: SLC2A2 is on the minus strand). VCF-style: chr3-171005367-A-T. GRCh37 (hg19) VCF-style: chr3-170723156-A-T.
Other names: c.524T>A, p.Leu175His (NM_001278658.2); c.362T>A, p.Leu121His (NM_001278659.2); short protein forms L175H, L294H, L121H.
Identifiers: ClinVar variation 2132662 (VCV002132662.4), dbSNP rs1205719797, ClinGen allele CA355488396.

ClinVar aggregate classification (germline): Uncertain significance (1 of 4 stars; one submission).

Conditions:
Fanconi-Bickel syndrome (FBS). Also called: PSEUDO-PHLORIZIN DIABETES; FANCONI SYNDROME WITH INTESTINAL MALABSORPTION AND GALACTOSE INTOLERANCE; HEPATIC GLYCOGENOSIS WITH AMINO ACIDURIA AND GLUCOSURIA; HEPATIC GLYCOGENOSIS WITH FANCONI NEPHROPATHY; HEPATORENAL GLYCOGENOSIS WITH RENAL FANCONI SYNDROME; Glycogen storage disease due to GLUT2 deficiency. Identifiers: Orphanet 2088, MedGen C3495427, MONDO:0009216, OMIM 227810.

Allele frequency attached by ClinVar (database versions not stated): gnomAD 0.00001; TOPMed 0.00003.
gnomAD v4.1: 2 of 1,612,864 alleles (0.00012%); highest among the groups gnomAD compares: African/African-American, 0.0027%; no homozygotes.

Submission:

Labcorp Genetics (formerly Invitae), Labcorp
Classification: Uncertain significance for Fanconi-Bickel syndrome. Last evaluated: 2021-11-24. Review status: criteria provided, single submitter. Criteria: Invitae Variant Classification Sherloc (09022015). Collection method: clinical testing. Allele origin: germline.
Comment: This sequence change replaces leucine, which is neutral and non-polar, with histidine, which is basic and polar, at codon 294 of the SLC2A2 protein (p.Leu294His). This variant is not present in population databases (gnomAD no frequency). This variant has not been reported in the literature in individuals affected with SLC2A2-related conditions. Advanced modeling of protein sequence and biophysical properties (such as structural, functional, and spatial information, amino acid conservation, physicochemical variation, residue mobility, and thermodynamic stability) performed at Invitae indicates that this missense variant is expected to disrupt SLC2A2 protein function. In summary, the available evidence is currently insufficient to determine the role of this variant in disease. Therefore, it has been classified as a Variant of Uncertain Significance.